The following is an entry in ClinVar:

ClinVar aggregate classification (germline): Uncertain significance. Review status: criteria provided, multiple submitters, no conflicts (2 of 4 stars). 5 submissions from 5 submitters: Uncertain significance (4). 1 of the submissions does not count toward it. Last evaluated 2023-02-24.

Conditions:
Autosomal dominant nonsyndromic hearing loss 11. Identifiers: Orphanet 90635, MedGen C1832475, MONDO:0011032, OMIM 601317.
Usher syndrome type 1B (USH1B). Also called: Usher syndrome type IB. Identifiers: MedGen C1848638, MONDO:0700087.

Allele frequency attached by ClinVar (database versions not stated): TOPMed 0.00003; gnomAD exomes 0.00001 and 0.00003; gnomAD 0.00002; ExAC 0.00003.
gnomAD v4.1: 20 of 1,580,318 alleles (0.0013%); highest among the groups gnomAD compares: Admixed American, 0.009%; no homozygotes.

Submissions (5):

GeneDx
Classification: Uncertain significance. Last evaluated: 2023-02-24. Review status: criteria provided, single submitter. Criteria: GeneDx Variant Classification Process June 2021. Collection method: clinical testing. Allele origin: germline. Affected: yes.
Comment: In silico analysis supports that this missense variant has a deleterious effect on protein structure/function; Has not been previously published as pathogenic or benign to our knowledge

Labcorp Genetics (formerly Invitae), Labcorp
Classification: Uncertain significance. Last evaluated: 2022-03-13. Review status: criteria provided, single submitter. Criteria: Invitae Variant Classification Sherloc (09022015). Collection method: clinical testing. Allele origin: germline.
Comment: This sequence change replaces arginine, which is basic and polar, with tryptophan, which is neutral and slightly polar, at codon 1696 of the MYO7A protein (p.Arg1696Trp). The frequency data for this variant in the population databases is considered unreliable, as metrics indicate poor data quality at this position in the gnomAD database. This variant has not been reported in the literature in individuals affected with MYO7A-related conditions. ClinVar contains an entry for this variant (Variation ID: 1019001). Advanced modeling of protein sequence and biophysical properties (such as structural, functional, and spatial information, amino acid conservation, physicochemical variation, residue mobility, and thermodynamic stability) performed at Invitae indicates that this missense variant is not expected to disrupt MYO7A protein function. In summary, the available evidence is currently insufficient to determine the role of this variant in disease. Therefore, it has been classified as a Variant of Uncertain Significance.

Foundation for Research in Genetics and Endocrinology, FRIGE's Institute of Human Genetics
Classification: Uncertain significance for Autosomal dominant nonsyndromic hearing loss 11. Last evaluated: 2021-07-19. Review status: criteria provided, single submitter. Criteria: ACMG Guidelines, 2015. Collection method: clinical testing. Allele origin: germline. Affected: yes. Observed: 1 heterozygote.
Comment: A heterozygous missense variation in exon 37 of the MYO7A gene that results in the amino acid substitution of Tryptophan for Arginine at codon 1696 was detected. The observed variant c.5086C>T (p.Arg1696Trp) has not been reported in the 1000 genomes and gnomAD database. The in silico prediction of the variant are possibly damaging by PolyPhen-2 (HumDiv) and damaging by SIFT, LRT and MutationTaster2. In summary, the variant meets our criteria to be classified as a variant of uncertain significance

Blueprint Genetics
Classification: Uncertain significance. Last evaluated: 2021-05-20. Review status: criteria provided, single submitter. Criteria: ACMG Guidelines, 2015. Collection method: clinical testing. Allele origin: germline.

Natera, Inc.
Classification: Uncertain significance for Usher syndrome type 1B. Last evaluated: 2020-08-18. Review status: no assertion criteria provided. Collection method: clinical testing. Allele origin: germline. Not counted in ClinVar's aggregate classification.

NM_000260.4(MYO7A):c.5086C>T (p.Arg1696Trp)

Gene: MYO7A (myosin VIIA; plus strand). Cytogenetic location: 11q13.5.
Variant type: single nucleotide variant.
Coding change: c.5086C>T on transcript NM_000260.4 (MANE Select); coding-DNA position 5086, C replaced by T.
Protein change: p.Arg1696Trp; replaces arginine 1696 with tryptophan.
Molecular consequence: missense variant.
Genome position (GRCh38, 1-based): chr11:77,202,342, C>T. VCF-style: chr11-77202342-C-T. GRCh37 (hg19) VCF-style: chr11-76913387-C-T.
Other names: p.Arg1696Trp; c.4972C>T, p.Arg1658Trp (NM_001127180.2); c.4939C>T, p.Arg1647Trp (NM_001369365.1); c.5086C>T (NM_000260.3); short protein forms R1647W, R1658W, R1696W.
Identifiers: ClinVar variation 1019001 (VCV001019001.8), dbSNP rs781335672, ClinGen allele CA6198618.